The following is an entry in ClinVar:

ClinVar aggregate classification (germline): Uncertain significance. Review status: criteria provided, multiple submitters, no conflicts (2 of 4 stars). 2 submissions from 2 submitters: Uncertain significance (2). Last evaluated 2025-05-05.

Conditions:
Hereditary cancer-predisposing syndrome. Also called: Neoplastic Syndromes, Hereditary; Tumor predisposition; Hereditary neoplastic syndrome; Hereditary Cancer Syndrome. Identifiers: Orphanet 140162, MedGen C0027672, MeSH D009386, MONDO:0015356.
Hereditary nonpolyposis colorectal neoplasms. Identifiers: MedGen C0009405, MeSH D003123.

Submissions (2):

Spanish MMR Variant Interpretation Working Group
Classification: Uncertain significance for Hereditary cancer-predisposing syndrome. Last evaluated: 2025-05-05. Review status: criteria provided, single submitter. Criteria: ClinGen CRC ACMG Specifications PMS2 V1.0.0. Collection method: clinical testing. Allele origin: germline. Affected: yes.
Comment: The PMS2 variant c.554T>C replaces valine with alanine at codon 185 of the PMS2 protein, p.(Val185Ala). The valine residue is weakly conserved, and there is a small physicochemical difference between valine and alanine. This variant is absent from the gnomAD v4.1.0 database (PM2_P). The SpliceAI algorithm predicts no significant impact on splicing. It is a missense variant with a MAPP+PolyPhen-2 prior probability of pathogenicity within the range of 0.11-0.68 (no criterion is met). There are no other described missense variants classified as Class 4/5 by InSiGHT located at the same residue. To our current knowledge, no functional assays have been reported for this variant. Based on the available evidence, this variant is classified as Variant of Uncertain Significance (Class 3).

Labcorp Genetics (formerly Invitae), Labcorp
Classification: Uncertain significance for Hereditary nonpolyposis colorectal neoplasms. Last evaluated: 2020-12-15. Review status: criteria provided, single submitter. Criteria: Invitae Variant Classification Sherloc (09022015). Collection method: clinical testing. Allele origin: germline.
Comment: This variant has not been reported in the literature in individuals with PMS2-related conditions. This sequence change replaces valine with alanine at codon 185 of the PMS2 protein (p.Val185Ala). The valine residue is moderately conserved and there is a small physicochemical difference between valine and alanine. This variant is not present in population databases (ExAC no frequency). Advanced modeling of protein sequence and biophysical properties (such as structural, functional, and spatial information, amino acid conservation, physicochemical variation, residue mobility, and thermodynamic stability) performed at Invitae indicates that this missense variant is not expected to disrupt PMS2 protein function. In summary, the available evidence is currently insufficient to determine the role of this variant in disease. Therefore, it has been classified as a Variant of Uncertain Significance.

NM_000535.7(PMS2):c.554T>C (p.Val185Ala)

Gene: PMS2 (PMS1 homolog 2, mismatch repair system component; minus strand). Cytogenetic location: 7p22.1.
Variant type: single nucleotide variant.
Coding change: c.554T>C on transcript NM_000535.7 (MANE Select); coding-DNA position 554, T replaced by C.
Protein change: p.Val185Ala; replaces valine 185 with alanine.
Molecular consequence: missense variant. On other transcripts: non-coding transcript variant (1), intron variant (3).
Genome position (GRCh38, 1-based): chr7:5,999,259, A>G on the plus strand (T>C on the coding strand, the complement: PMS2 is on the minus strand). VCF-style: chr7-5999259-A-G. GRCh37 (hg19) VCF-style: chr7-6038890-A-G.
Other names: c.149T>C, p.Val50Ala (NM_001322003.2, NM_001322004.2, NM_001322005.2 and 2 more transcripts); c.554T>C, p.Val185Ala (NM_001322006.2, NM_001322014.2); c.236T>C, p.Val79Ala (NM_001322007.2, NM_001322008.2); c.245T>C, p.Val82Ala (NM_001322015.2); c.133-1836T>C (NM_001322013.2); c.-347-33T>C (NM_001322012.2, NM_001322011.2); short protein forms V79A, V50A, V185A, V82A.
Identifiers: ClinVar variation 1356501 (VCV001356501.9), dbSNP rs2128802017, ClinGen allele CA366744101.